The following is an entry in ClinVar:

NM_000071.3(CBS):c.1040-322T>C

Gene: CBS (cystathionine beta-synthase; minus strand). Cytogenetic location: 21q22.3.
Variant type: single nucleotide variant.
Coding change: c.1040-322T>C on transcript NM_000071.3 (MANE Select); 322 bases into the intron before coding-DNA position 1040, T replaced by C.
Molecular consequence: intron variant.
Genome position (GRCh38, 1-based): chr21:43,060,868, A>G on the plus strand (T>C on the coding strand, the complement: CBS is on the minus strand). VCF-style: chr21-43060868-A-G. GRCh37 (hg19) VCF-style: chr21-44480978-A-G.
Other names: c.1040-322T>C (NM_001320298.2, NM_001178009.3, NM_001178008.3); c.725-322T>C (NM_001321072.1).
Identifiers: ClinVar variation 669409 (VCV000669409.1), dbSNP rs73906418, ClinGen allele CA321690179.

ClinVar aggregate classification (germline): Benign (1 of 4 stars; one submission).

Allele frequency attached by ClinVar (database versions not stated): gnomAD 0.11170; 1000 Genomes Project 0.13738.

Submission:

GeneDx
Classification: Benign. Last evaluated: 2018-06-14. Review status: criteria provided, single submitter. Criteria: GeneDx Variant Classification (06012015). Collection method: clinical testing. Allele origin: germline. Affected: yes.
Comment: This variant is considered likely benign or benign based on one or more of the following criteria: it is a conservative change, it occurs at a poorly conserved position in the protein, it is predicted to be benign by multiple in silico algorithms, and/or has population frequency not consistent with disease.